The following is an entry in ClinVar:

NM_001267550.2(TTN):c.39895+7A>G

Gene: TTN (titin; minus strand). Cytogenetic location: 2q31.2.
Variant type: single nucleotide variant.
Coding change: c.39895+7A>G on transcript NM_001267550.2 (MANE Select); 7 bases into the intron after coding-DNA position 39895, A replaced by G.
Molecular consequence: intron variant.
Genome position (GRCh38, 1-based): chr2:178,649,810, T>C on the plus strand (A>G on the coding strand, the complement: TTN is on the minus strand). VCF-style: chr2-178649810-T-C. GRCh37 (hg19) VCF-style: chr2-179514537-T-C.
Other names: c.13283-7493A>G (NM_003319.4); c.13859-7493A>G (NM_133437.4); c.13658-7493A>G (NM_133432.3); c.32593+7A>G (NM_133378.4); c.35374+7A>G (NM_001256850.1).
Identifiers: ClinVar variation 499042 (VCV000499042.16), dbSNP rs1299824475, ClinGen allele CA538436598.

ClinVar aggregate classification (germline): Conflicting classifications of pathogenicity. Review status: criteria provided, conflicting classifications (1 of 4 stars). 3 submissions from 3 submitters: Uncertain significance (1); Likely benign (2). Last evaluated 2025-04-29.

Conditions:
Dilated cardiomyopathy 1G (CMD1G). Identifiers: Orphanet 154, MedGen C1858763, MONDO:0011400, OMIM 604145.
Autosomal recessive limb-girdle muscular dystrophy type 2J (LGMDR10). Also called: MUSCULAR DYSTROPHY, LIMB-GIRDLE, AUTOSOMAL RECESSIVE 10; Limb-girdle muscular dystrophy, type 2J. Identifiers: Orphanet 140922, MedGen C1837342, MONDO:0012127, OMIM 608807.

Allele frequency attached by ClinVar (database versions not stated): gnomAD exomes below 0.00001 and 0.00001.
gnomAD v4.1: 20 of 1,611,250 alleles (0.0012%); highest among the groups gnomAD compares: East Asian, 0.027%; no homozygotes.

Submissions (3):

Women's Health and Genetics/Laboratory Corporation of America, LabCorp
Classification: Likely benign. Last evaluated: 2025-04-29. Review status: criteria provided, single submitter. Criteria: LabCorp Variant Classification Summary - May 2015. Collection method: clinical testing. Allele origin: germline.
Comment: Variant summary: TTN c.32593+7A>G alters a non-conserved nucleotide located at a position not widely known to affect splicing. Consensus agreement among computation tools predict no significant impact on normal splicing. However, these predictions have yet to be confirmed by functional studies. The variant allele was found at a frequency of 4.1e-06 in 246480 control chromosomes. The available data on variant occurrences in the general population are insufficient to allow any conclusion about variant significance. To our knowledge, no occurrence of c.32593+7A>G in individuals affected with TTN-related conditions and no experimental evidence demonstrating its impact on protein function have been reported. ClinVar contains an entry for this variant (Variation ID: 499042). Based on the evidence outlined above, the variant was classified as likely benign.

Labcorp Genetics (formerly Invitae), Labcorp
Classification: Likely benign for Dilated cardiomyopathy 1G; Autosomal recessive limb-girdle muscular dystrophy type 2J. Last evaluated: 2024-10-16. Review status: criteria provided, single submitter. Criteria: Invitae Variant Classification Sherloc (09022015). Collection method: clinical testing. Allele origin: germline.

Eurofins Ntd Llc (ga)
Classification: Uncertain significance. Last evaluated: 2016-12-27. Review status: criteria provided, single submitter. Criteria: EGL Classification Definitions 2015. Collection method: clinical testing. Allele origin: germline. Observed: 1 variant allele, 1 heterozygote.